The following is an entry in ClinVar:

NM_005802.5(TOPORS):c.1427A>G (p.Asp476Gly)

Gene: TOPORS (TOP1 binding arginine/serine rich protein, E3 ubiquitin ligase; minus strand). Cytogenetic location: 9p21.1.
Variant type: single nucleotide variant.
Coding change: c.1427A>G on transcript NM_005802.5 (MANE Select); coding-DNA position 1427, A replaced by G.
Protein change: p.Asp476Gly; replaces aspartic acid 476 with glycine.
Molecular consequence: missense variant.
Genome position (GRCh38, 1-based): chr9:32,543,098, T>C on the plus strand (A>G on the coding strand, the complement: TOPORS is on the minus strand). VCF-style: chr9-32543098-T-C. GRCh37 (hg19) VCF-style: chr9-32543096-T-C.
Other names: c.1232A>G, p.Asp411Gly (NM_001195622.2); c.1427A>G (NM_005802.4); short protein forms D411G, D476G.
Identifiers: ClinVar variation 1460908 (VCV001460908.7), dbSNP rs1438672157, ClinGen allele CA373170038.
Genomic context (GRCh38, chr9:32,543,098, plus strand): 5'-TCAACAAGTTCTGGGGTCCTCTCAGCTAGTGGTTTAACAAACCCAACAATGACACAATTA[T>C]CTGAAGAATCATCACTGTCATTATTTAGGTCGTCATTGGTTTGTACTCCTTGTATCTGAG-3'
Protein context (NP_005793.2, residues 466-486): DLNNDSDDSS[Asp476Gly]NCVIVGFVKP

ClinVar aggregate classification (germline): Uncertain significance. Review status: criteria provided, multiple submitters, no conflicts (2 of 4 stars). 2 submissions from 2 submitters: Uncertain significance (2). Last evaluated 2024-03-12.

Conditions:
Inborn genetic diseases. Identifiers: MedGen C0950123, MeSH D030342.

Allele frequency attached by ClinVar (database versions not stated): gnomAD exomes below 0.00001; TOPMed below 0.00001; gnomAD 0.00001.
gnomAD v4.1: 3 of 1,614,062 alleles (0.00019%); highest among the groups gnomAD compares: Admixed American, 0.0017%; no homozygotes.

Submissions (2):

Ambry Genetics
Classification: Uncertain significance for Inborn genetic diseases. Last evaluated: 2024-03-12. Review status: criteria provided, single submitter. Criteria: Ambry Variant Classification Scheme 2023. Collection method: clinical testing. Allele origin: germline.

Labcorp Genetics (formerly Invitae), Labcorp
Classification: Uncertain significance. Last evaluated: 2024-02-23. Review status: criteria provided, single submitter. Criteria: Invitae Variant Classification Sherloc (09022015). Collection method: clinical testing. Allele origin: germline.
Comment: This sequence change replaces aspartic acid, which is acidic and polar, with glycine, which is neutral and non-polar, at codon 476 of the TOPORS protein (p.Asp476Gly). This variant is not present in population databases (gnomAD no frequency). This variant has not been reported in the literature in individuals affected with TOPORS-related conditions. ClinVar contains an entry for this variant (Variation ID: 1460908). An algorithm developed to predict the effect of missense changes on protein structure and function (PolyPhen-2) suggests that this variant is likely to be disruptive. Algorithms developed to predict the effect of sequence changes on RNA splicing suggest that this variant may create or strengthen a splice site. In summary, the available evidence is currently insufficient to determine the role of this variant in disease. Therefore, it has been classified as a Variant of Uncertain Significance.